The following is an entry in ClinVar:

ClinVar aggregate classification (germline): Conflicting classifications of pathogenicity. Review status: criteria provided, conflicting classifications (1 of 4 stars). 9 submissions from 9 submitters: Uncertain significance (6); Likely benign (2). 1 of the submissions does not count toward it. Last evaluated 2026-02-04.

Conditions:
NCF2-related disorder. Also called: NCF2-related condition.
Granulomatous disease, chronic, autosomal recessive, cytochrome b-positive, type 2. Also called: Chronic granulomatous disease due to deficiency of NCF-2; CGD, AUTOSOMAL RECESSIVE CYTOCHROME b-POSITIVE, TYPE II; GRANULOMATOUS DISEASE, CHRONIC, AUTOSOMAL RECESSIVE, 2; GRANULOMATOUS DISEASE, CHRONIC, DUE TO NCF2 DEFICIENCY; Chronic Granulomatous Disease, Autosomal Recessive, Cytochrome b-Positive, Type II. Identifiers: Orphanet 379, MedGen C1856245, MONDO:0009310, OMIM 233710.

Allele frequency attached by ClinVar (database versions not stated): gnomAD 0.00145; 1000 Genomes Project 30x 0.00031; 1000 Genomes Project 0.00040; ESP Exome Variant Server 0.00092; gnomAD exomes 0.00121 and 0.00140; TOPMed 0.00131; ExAC 0.00145.
gnomAD v4.1: 2,265 of 1,614,170 alleles (0.14%); highest among the groups gnomAD compares: Non-Finnish European, 0.17%; 7 homozygotes.

Submissions (9):

Labcorp Genetics (formerly Invitae), Labcorp
Classification: Likely benign for Granulomatous disease, chronic, autosomal recessive, cytochrome b-positive, type 2. Last evaluated: 2026-02-04. Review status: criteria provided, single submitter. Criteria: Invitae Variant Classification Sherloc (09022015). Collection method: clinical testing. Allele origin: germline.

GeneDx
Classification: Uncertain significance. Last evaluated: 2024-12-05. Review status: criteria provided, single submitter. Criteria: GeneDx Variant Classification Process June 2021. Collection method: clinical testing. Allele origin: germline. Affected: yes.
Comment: In silico analysis supports that this missense variant has a deleterious effect on protein structure/function; Reported in association with very early onset IBD (PMID: 21900546, 24931457); This variant is associated with the following publications: (PMID: 21900546, 24931457, 28035544, 29454792, 35874679)

Blueprint Genetics
Classification: Uncertain significance. Last evaluated: 2024-10-24. Review status: criteria provided, single submitter. Criteria: ACMG Guidelines, 2015. Collection method: clinical testing. Allele origin: germline.

Mayo Clinic Laboratories, Mayo Clinic
Classification: Uncertain significance. Last evaluated: 2024-01-22. Review status: criteria provided, single submitter. Criteria: ACMG Guidelines, 2015. Collection method: clinical testing. Allele origin: germline. Observed: 1 variant allele.
Comment: BS1, BS2, PS3_moderate, PS4_moderate

Women's Health and Genetics/Laboratory Corporation of America, LabCorp
Classification: Likely benign. Last evaluated: 2022-03-08. Review status: criteria provided, single submitter. Criteria: LabCorp Variant Classification Summary - May 2015. Collection method: clinical testing. Allele origin: germline.
Comment: Variant summary: NCF2 c.113G>A (p.Arg38Gln) results in a conservative amino acid change in the encoded protein sequence. Three of five in-silico tools predict a benign effect of the variant on protein function. The variant allele was found at a frequency of 0.0012 in 251480 control chromosomes, predominantly at a frequency of 0.002 within the Non-Finnish European subpopulation in the gnomAD database, including 1 homozygotes. The observed variant frequency within Non-Finnish European control individuals in the gnomAD database is approximately 3.3 fold of the estimated maximal expected allele frequency for a pathogenic variant in NCF2 causing Chronic Granulomatous Disease phenotype (0.00061), strongly suggesting that the variant is a benign polymorphism found primarily in populations of Non-Finnish European origin. c.113G>A has been reported in the literature as associated with very early onset inflammatory bowel disease (IBD) and shown to reduce binding to RAC2 (example, Muise_2012). In recent reports, it continues to be cited among reported polymorphisms in the NCF2 gene (example, Roos_2021). These report(s) do not provide unequivocal conclusions about association of the variant with Chronic Granulomatous Disease. Six clinical diagnostic laboratories have submitted clinical-significance assessments for this variant to ClinVar after 2014 without evidence for independent evaluation. Multiple laboratories reported the variant with conflicting assessments. Based on the evidence outlined above, due to lack of penetrant association with inherited recessive Chronic Granulomatous Disease, the variant was classified as likely benign.

CeGaT Center for Human Genetics Tuebingen
Classification: Uncertain significance. Last evaluated: 2021-07-01. Review status: criteria provided, single submitter. Criteria: CeGaT Center For Human Genetics Tuebingen Variant Classification Criteria Version 2. Collection method: clinical testing. Allele origin: germline. Affected: yes. Observed: 2 variant alleles.

Eurofins Ntd Llc (ga)
Classification: Uncertain significance. Last evaluated: 2017-10-04. Review status: criteria provided, single submitter. Criteria: EGL Classification Definitions 2015. Collection method: clinical testing. Allele origin: germline. Observed: 2 variant alleles, 2 heterozygotes.

Illumina Laboratory Services, Illumina
Classification: Uncertain significance for Granulomatous disease, chronic, autosomal recessive, cytochrome b-positive, type 2. Last evaluated: 2017-04-27. Review status: criteria provided, single submitter. Criteria: ICSL Variant Classification Criteria 13 December 2019. Collection method: clinical testing. Allele origin: germline.
Comment: This variant was observed as part of a predisposition screen in an ostensibly healthy population. A literature search was performed for the gene, cDNA change, and amino acid change (where applicable). Publications were found based on this search. However, the evidence from the literature, in combination with allele frequency data from public databases where available, was not sufficient to rule this variant in or out of causing disease. Therefore, this variant is classified as a variant of unknown significance.

PreventionGenetics, part of Exact Sciences
Classification: Likely benign for NCF2-related condition. Last evaluated: 2023-11-03. Review status: no assertion criteria provided. Collection method: clinical testing. Allele origin: germline. Not counted in ClinVar's aggregate classification.
Comment: This variant is classified as likely benign based on ACMG/AMP sequence variant interpretation guidelines (Richards et al. 2015 PMID: 25741868, with internal and published modifications).

Literature cited by the submitters: PubMed 10455184 (cited by Mayo Clinic Laboratories, Mayo Clinic); PubMed 21900546 (cited by 3 submitters); PubMed 24931457 (cited by Mayo Clinic Laboratories, Mayo Clinic and Illumina Laboratory Services, Illumina); PubMed 29454792 (cited by Mayo Clinic Laboratories, Mayo Clinic); PubMed 35874679 (cited by Mayo Clinic Laboratories, Mayo Clinic).

NM_000433.4(NCF2):c.113G>A (p.Arg38Gln)

Gene: NCF2 (neutrophil cytosolic factor 2; minus strand). Cytogenetic location: 1q25.3.
Variant type: single nucleotide variant.
Coding change: c.113G>A on transcript NM_000433.4 (MANE Select); coding-DNA position 113, G replaced by A.
Protein change: p.Arg38Gln; replaces arginine 38 with glutamine.
Molecular consequence: missense variant.
Genome position (GRCh38, 1-based): chr1:183,590,217, C>T on the plus strand (G>A on the coding strand, the complement: NCF2 is on the minus strand). VCF-style: chr1-183590217-C-T. GRCh37 (hg19) VCF-style: chr1-183559352-C-T.
Other names: p.Arg38Gln; c.113G>A, p.Arg38Gln (NM_001127651.3, NM_001190789.2, NM_001190794.2); short protein forms R38Q.
Identifiers: ClinVar variation 287151 (VCV000287151.61), dbSNP rs147415774, ClinGen allele CA1285055.